The following is an entry in ClinVar:

ClinVar aggregate classification (germline): Uncertain significance. Review status: criteria provided, multiple submitters, no conflicts (2 of 4 stars). 4 submissions from 4 submitters: Uncertain significance (4). Last evaluated 2026-03-28.

Conditions:
Age related macular degeneration 2. Also called: MACULAR DEGENERATION, SENILE; MACULOPATHY, AGE-RELATED, 2; MACULOPATHY, AGE-RELATED. Identifiers: MedGen C3495438, MONDO:0007932, OMIM 153800.
Retinitis pigmentosa 19 (RP19). Also called: ABCA4-Related Retinitis Pigmentosa. Identifiers: Orphanet 791, MedGen C1866422, MONDO:0011137, OMIM 601718.
Cone-rod dystrophy 3 (CORD3). Identifiers: Orphanet 1872, MedGen C1858806, MONDO:0011395, OMIM 604116.
Severe early-childhood-onset retinal dystrophy (STGD1). Also called: STGD; Stargardt macular dystrophy; Juvenile onset macular degeneration; Stargardt disease 1; MACULAR DYSTROPHY WITH FLECKS, TYPE 1. Identifiers: Orphanet 364055, Orphanet 827, MedGen C1855465, MeSH D000080362, MONDO:0009549, OMIM 248200.
ABCA4-related disorder. Also called: ABCA4-related disorders; ABCA4-related condition. Identifiers: MedGen CN239167.

Allele frequency attached by ClinVar (database versions not stated): gnomAD exomes 0.00003 and 0.00010; ExAC 0.00012; 1000 Genomes Project 30x 0.00016; 1000 Genomes Project 0.00020; TOPMed 0.00023; gnomAD 0.00026 and 0.00030; ESP Exome Variant Server 0.00031.
gnomAD v4.1: 88 of 1,613,688 alleles (0.0055%); highest among the groups gnomAD compares: African/African-American, 0.083%; no homozygotes.

Submissions (4):

PreventionGenetics, part of Exact Sciences
Classification: Uncertain significance for ABCA4-related condition. Last evaluated: 2026-03-28. Review status: criteria provided, single submitter. Criteria: ACMG Guidelines, 2015. Collection method: clinical testing. Allele origin: germline.
Comment: The ABCA4 c.140C>T variant is predicted to result in the amino acid substitution p.Pro47Leu. To our knowledge, this variant has not been reported in the literature. This variant is reported in 0.080% of alleles in individuals of African descent in gnomAD, which may be too frequent to be a primary cause of disease. Although we suspect that this variant may be benign, at this time, the clinical significance of this variant is uncertain due to the absence of conclusive functional and genetic evidence.

Blueprint Genetics
Classification: Uncertain significance. Last evaluated: 2024-03-26. Review status: criteria provided, single submitter. Criteria: ACMG Guidelines, 2015. Collection method: clinical testing. Allele origin: germline.

Illumina Laboratory Services, Illumina
Classification: Uncertain significance for ABCA4-Related Disorders. Last evaluated: 2017-04-28. Review status: criteria provided, single submitter. Criteria: ICSL Variant Classification Criteria 13 December 2019. Collection method: clinical testing. Allele origin: germline.

Juno Genomics, Hangzhou Juno Genomics, Inc
Classification: Uncertain significance for Severe early-childhood-onset retinal dystrophy; Age related macular degeneration 2; Cone-rod dystrophy 3; Retinitis pigmentosa 19. Review status: criteria provided, single submitter. Criteria: ACMG Guidelines, 2015. Collection method: clinical testing. Allele origin: germline.
Comment: Absent from controls (or at extremely low frequency if recessive) in Genome Aggregation Database.;Multiple lines of computational evidence support a deleterious effect on the gene or gene product.;For recessive disorders, detected in trans with a pathogenic variant.

NM_000350.3(ABCA4):c.140C>T (p.Pro47Leu)

Gene: ABCA4 (ATP binding cassette subfamily A member 4; minus strand). Cytogenetic location: 1p22.1.
Variant type: single nucleotide variant.
Coding change: c.140C>T on transcript NM_000350.3 (MANE Select); coding-DNA position 140, C replaced by T.
Protein change: p.Pro47Leu; replaces proline 47 with leucine.
Molecular consequence: missense variant.
Genome position (GRCh38, 1-based): chr1:94,112,993, G>A on the plus strand (C>T on the coding strand, the complement: ABCA4 is on the minus strand). VCF-style: chr1-94112993-G-A. GRCh37 (hg19) VCF-style: chr1-94578549-G-A.
Other names: c.140C>T, p.Pro47Leu (NM_001425324.1); short protein forms P47L.
Identifiers: ClinVar variation 876876 (VCV000876876.8), dbSNP rs143207212, ClinGen allele CA958924.
Genomic context (GRCh38, chr1:94,112,993, plus strand): 5'-GTCTCTTCAGGGCTTGCCCAAGCTACCCTGCTATGCTTACATTCATGATGGCTGTAGAGT[G>A]GGTTGGCATTCCTTAACCAGATCAAGACCAGAAATAAAGATAAAGGCCACACGAGTTCCA-3'
Protein context (NP_000341.2, residues 37-57): LVLIWLRNAN[Pro47Leu]LYSHHECHFP